The following is an entry in ClinVar:

ClinVar aggregate classification (germline): Likely benign. Review status: criteria provided, multiple submitters, no conflicts (2 of 4 stars). 2 submissions from 2 submitters: Likely benign (2). Last evaluated 2026-01-14.

Conditions:
Glycogen storage disease, type II (IOPD). Also called: POMPE DISEASE, INFANTILE-ONSET; GLYCOGEN STORAGE DISEASE II, INFANTILE-ONSET; ACID ALPHA-GLUCOSIDASE DEFICIENCY, INFANTILE-ONSET; GAA DEFICIENCY, INFANTILE-ONSET; ACID MALTASE DEFICIENCY, INFANTILE-ONSET; CARDIOMEGALIA GLYCOGENICA DIFFUSA. Identifiers: Orphanet 365, MedGen C0017921, MONDO:0009290, OMIM 232300.

Allele frequency attached by ClinVar (database versions not stated): gnomAD exomes 0.00001 and 0.00004; ExAC 0.00004; gnomAD 0.00012 and 0.00013; TOPMed 0.00013.
gnomAD v4.1: 35 of 1,612,704 alleles (0.0022%); highest among the groups gnomAD compares: African/African-American, 0.04%; no homozygotes.

Submissions (2):

Labcorp Genetics (formerly Invitae), Labcorp
Classification: Likely benign for Glycogen storage disease, type II. Last evaluated: 2026-01-14. Review status: criteria provided, single submitter. Criteria: Invitae Variant Classification Sherloc (09022015). Collection method: clinical testing. Allele origin: germline.

GeneDx
Classification: Likely benign. Last evaluated: 2017-04-17. Review status: criteria provided, single submitter. Criteria: GeneDx Variant Classification (06012015). Collection method: clinical testing. Allele origin: germline. Affected: yes.
Comment: This variant is considered likely benign or benign based on one or more of the following criteria: it is a conservative change, it occurs at a poorly conserved position in the protein, it is predicted to be benign by multiple in silico algorithms, and/or has population frequency not consistent with disease.

NM_000152.5(GAA):c.1755-7A>G

Gene: GAA (alpha glucosidase; plus strand). Cytogenetic location: 17q25.3.
Variant type: single nucleotide variant.
Coding change: c.1755-7A>G on transcript NM_000152.5 (MANE Select); 7 bases into the intron before coding-DNA position 1755, A replaced by G.
Molecular consequence: intron variant.
Genome position (GRCh38, 1-based): chr17:80,112,571, A>G. VCF-style: chr17-80112571-A-G. GRCh37 (hg19) VCF-style: chr17-78086370-A-G.
Other names: c.1755-7A>G (LRG_673t1, NM_001079803.3, NM_001079804.3).
Identifiers: ClinVar variation 382403 (VCV000382403.12), dbSNP rs781539108, ClinGen allele CA8815467.